The following is an entry in ClinVar:

NM_001080517.3(SETD5):c.3677_3678del (p.Leu1225_Ser1226insTer)

Gene: SETD5 (SET domain containing 5; plus strand). Cytogenetic location: 3p25.3.
Variant type: Microsatellite.
Coding change: c.3677_3678del on transcript NM_001080517.3 (MANE Select); coding-DNA positions 3677 to 3678, 2 bases deleted (CT; older notation c.3677_3678delCT).
Protein change: p.Leu1225_Ser1226insTer.
Molecular consequence: nonsense.
Genome position (GRCh38, 1-based): chr3:9,475,113-9,475,114, CT deleted; deleting any 2 consecutive bases within chr3:9,475,109-9,475,114 gives the same sequence; the c. name uses the placement nearest the transcript's 3' end. VCF-style (leftmost placement, unchanged base first): chr3-9475108-ACT-A. GRCh37 (hg19) VCF-style: chr3-9516792-ACT-A.
Other names: c.3791_3792del, p.Leu1263_Ser1264insTer (NM_001437635.1); c.3734_3735del, p.Leu1244_Ser1245insTer (NM_001437643.1); c.3716_3717del, p.Leu1238_Ser1239insTer (NM_001437701.1); c.3383_3384del, p.Leu1127_Ser1128insTer (NM_001292043.2, NM_001349451.2); c.3773_3774del, p.Leu1257_Ser1258insTer (NM_001437633.1).
Identifiers: ClinVar variation 5037631 (VCV005037631.1).

ClinVar aggregate classification (germline): Uncertain significance (1 of 4 stars; one submission).

Submission:

GeneDx
Classification: Uncertain significance. Last evaluated: 2026-04-24. Review status: criteria provided, single submitter. Criteria: GeneDx Variant Classification Process June 2021. Collection method: clinical testing. Allele origin: germline.
Comment: Nonsense variant predicted to result in protein truncation as the last 217 amino acid(s) are lost; Not observed at significant frequency in large population cohorts (gnomAD); Has not been previously published as pathogenic or benign to our knowledge